The following is an entry in ClinVar:

ClinVar aggregate classification (germline): Uncertain significance (1 of 4 stars; one submission).

Conditions:
Familial cancer of breast. Also called: hereditary breast carcinoma; Hereditary breast cancer; BREAST CANCER, FAMILIAL. Identifiers: Orphanet 227535, MedGen C0346153, MONDO:0016419, OMIM 114480. Disease mechanism: loss of function.

Submission:

Labcorp Genetics (formerly Invitae), Labcorp
Classification: Uncertain significance for Familial cancer of breast. Last evaluated: 2021-07-17. Review status: criteria provided, single submitter. Criteria: Invitae Variant Classification Sherloc (09022015). Collection method: clinical testing. Allele origin: germline.
Comment: In summary, the available evidence is currently insufficient to determine the role of this variant in disease. Therefore, it has been classified as a Variant of Uncertain Significance. Algorithms developed to predict the effect of missense changes on protein structure and function output the following: SIFT: "Tolerated"; PolyPhen-2: "Possibly Damaging"; Align-GVGD: "Class C0". The valine amino acid residue is found in multiple mammalian species, which suggests that this missense change does not adversely affect protein function. This variant has not been reported in the literature in individuals affected with PALB2-related conditions. This variant is not present in population databases (ExAC no frequency). This sequence change replaces leucine with valine at codon 600 of the PALB2 protein (p.Leu600Val). The leucine residue is moderately conserved and there is a small physicochemical difference between leucine and valine.

NM_024675.4(PALB2):c.1798T>G (p.Leu600Val)

Gene: PALB2 (partner and localizer of BRCA2; minus strand). Cytogenetic location: 16p12.2.
Variant type: single nucleotide variant.
Coding change: c.1798T>G on transcript NM_024675.4 (MANE Select); coding-DNA position 1798, T replaced by G.
Protein change: p.Leu600Val; replaces leucine 600 with valine.
Molecular consequence: missense variant.
Genome position (GRCh38, 1-based): chr16:23,630,356, A>C on the plus strand (T>G on the coding strand, the complement: PALB2 is on the minus strand). VCF-style: chr16-23630356-A-C. GRCh37 (hg19) VCF-style: chr16-23641677-A-C.
Other names: short protein forms L600V.
Identifiers: ClinVar variation 1505932 (VCV001505932.9), dbSNP rs2142389006, ClinGen allele CA395128059.